The following is an entry in ClinVar:

NM_004453.4(ETFDH):c.832-4_832-3dup

Gene: ETFDH (electron transfer flavoprotein dehydrogenase; plus strand). Cytogenetic location: 4q32.1.
Variant type: Duplication.
Coding change: c.832-4_832-3dup on transcript NM_004453.4 (MANE Select); 4 bases into the intron before coding-DNA position 832 through 3 bases into the intron before coding-DNA position 832, 2 bases duplicated (TT; older notation c.832-4_832-3dupTT).
Molecular consequence: intron variant.
Genome position (GRCh38, 1-based): chr4:158,697,555-158,697,556, TT duplicated; duplicating any 2 consecutive bases within chr4:158,697,544-158,697,556 gives the same sequence; the c. name uses the placement nearest the transcript's 3' end. VCF-style (leftmost placement, unchanged base first): chr4-158697543-C-CTT. GRCh37 (hg19) VCF-style: chr4-159618695-C-CTT.
Other names: c.691-4_691-3dup (NM_001281737.2); c.649-4_649-3dup (NM_001281738.1); c.832-4_832-3dupTT (NM_004453.4).
Identifiers: ClinVar variation 3629778 (VCV003629778.1).

ClinVar aggregate classification (germline): Likely benign (1 of 4 stars; one submission).

Submission:

Women's Health and Genetics/Laboratory Corporation of America, LabCorp
Classification: Likely benign. Last evaluated: 2024-11-07. Review status: criteria provided, single submitter. Criteria: LabCorp Variant Classification Summary - May 2015. Collection method: clinical testing. Allele origin: germline.
Comment: Variant summary: ETFDH c.832-4_832-3dupTT alters a conserved nucleotide located close to a canonical splice site and therefore could affect mRNA splicing, leading to a significantly altered protein sequence. Consensus agreement among computation tools predict no significant impact on normal splicing. However, these predictions have yet to be confirmed by functional studies. The variant allele was found at a frequency of 0.00011 in 1219590 control chromosomes (gnomAD). This frequency is not significantly higher than estimated for a pathogenic variant in ETFDH causing Glutaric Aciduria, Type 2c (0.00011 vs 0.0011), allowing no conclusion about variant significance. To our knowledge, no occurrence of c.832-4_832-3dupTT in individuals affected with Glutaric Aciduria, Type 2c and no experimental evidence demonstrating its impact on protein function have been reported. No submitters have cited clinical-significance assessments for this variant to ClinVar. Based on the evidence outlined above, the variant was classified as likely benign.